The following is an entry in ClinVar:

NM_024101.7(MLPH):c.579_580dup (p.Asp194fs)

Gene: MLPH (melanophilin; plus strand). Cytogenetic location: 2q37.3.
Variant type: Duplication.
Coding change: c.579_580dup on transcript NM_024101.7 (MANE Select); coding-DNA positions 579 to 580, 2 bases duplicated (CG; older notation c.579_580dupCG).
Protein change: p.Asp194fs; shifts the reading frame from aspartic acid 194.
Molecular consequence: frameshift variant. On other transcripts: non-coding transcript variant (1), intron variant (1).
Genome position (GRCh38, 1-based): chr2:237,519,933-237,519,934, CG duplicated. VCF-style (leftmost placement, unchanged base first): chr2-237519932-A-ACG. GRCh37 (hg19) VCF-style: chr2-238428575-A-ACG.
Other names: c.579_580dup, p.Asp194fs (NM_001042467.3, NM_001281474.2); c.555+1285_555+1286dup (NM_001281473.2); short protein forms D194fs.
Identifiers: ClinVar variation 4850621 (VCV004850621.1).
Genomic context (GRCh38, chr2:237,519,932, plus strand): 5'-CCCTGACTTGAGTCTTGCCCTGTCTTGTGCCTGCTAAGAAAAAGCGCCTCCTCTCCGTCC[A>ACG]CGACTTCGACTTCGAGGGAGACTCAGATGACTCCACTCAGCCTCAAGGTCACTCCCTGCA-3'

ClinVar aggregate classification (germline): Likely pathogenic (1 of 4 stars; one submission).

Conditions:
Griscelli syndrome type 3 (GS3). Identifiers: Orphanet 381, Orphanet 79478, MedGen C1836573, MONDO:0012220, OMIM 609227.

Submission:

First Genomix Gene Laboratory, Genetic Diagnostics Department
Classification: Likely pathogenic for Griscelli syndrome type 3. Last evaluated: 2025-12-28. Review status: criteria provided, single submitter. Criteria: ACMG Guidelines, 2015. Collection method: clinical testing. Allele origin: germline. Inheritance: Autosomal recessive inheritance. Affected: no. Observed: 1 variant allele.